The following is an entry in ClinVar:

ClinVar aggregate classification (germline): Likely benign (0 of 4 stars; one submission).

Conditions:
DUOX2-related disorder. Also called: DUOX2-related condition.

Submission:

PreventionGenetics, part of Exact Sciences
Classification: Likely benign for DUOX2-related condition. Last evaluated: 2019-04-29. Review status: no assertion criteria provided. Collection method: clinical testing. Allele origin: germline.
Comment: This variant is classified as likely benign based on ACMG/AMP sequence variant interpretation guidelines (Richards et al. 2015 PMID: 25741868, with internal and published modifications).

NM_001363711.2(DUOX2):c.3006-15_3006-3del

Gene: DUOX2 (dual oxidase 2; minus strand). Cytogenetic location: 15q21.1.
Variant type: Deletion.
Coding change: c.3006-15_3006-3del on transcript NM_001363711.2 (MANE Select); 15 bases into the intron before coding-DNA position 3006 through 3 bases into the intron before coding-DNA position 3006, 13 bases deleted (CTCCCCTTGCTAT).
Molecular consequence: intron variant.
Genome position (GRCh38, 1-based): chr15:45,100,231-45,100,243, ATAGCAAGGGGAG deleted on the plus strand (CTCCCCTTGCTAT on the coding strand, the reverse complement: DUOX2 is on the minus strand). VCF-style (leftmost placement, unchanged base first): chr15-45100230-TATAGCAAGGGGAG-T. GRCh37 (hg19) VCF-style: chr15-45392428-TATAGCAAGGGGAG-T.
Other names: c.3006-15_3006-3del (NM_014080.5).
Identifiers: ClinVar variation 3056434 (VCV003056434.2), dbSNP rs2504751731, ClinGen allele CA2740097274.